The following is an entry in ClinVar:

ClinVar aggregate classification (germline): Likely pathogenic (1 of 4 stars; one submission).

Conditions:
Dias-Logan syndrome. Also called: INTELLECTUAL DEVELOPMENTAL DISORDER WITH HEREDITARY PERSISTENCE OF FETAL HEMOGLOBIN; Intellectual developmental disorder with persistence of fetal hemoglobin. Identifiers: Orphanet 619233, MedGen C4310833, MONDO:0014914, OMIM 617101.

Submission:

3billion
Classification: Likely pathogenic for Dias-Logan syndrome. Last evaluated: 2023-12-02. Review status: criteria provided, single submitter. Criteria: ACMG Guidelines, 2015. Collection method: clinical testing. Allele origin: germline. Affected: yes.
Comment: The variant is not observed in the gnomAD v2.1.1 dataset. Predicted Consequence/Location: Frameshift: predicted to result in a loss or disruption of normal protein function through nonsense-mediated decay (NMD) or protein truncation. Multiple pathogenic variants are reported downstream of the variant. Therefore, this variant is classified as Likely pathogenic according to the recommendation of ACMG/AMP guideline.

NM_022893.4(BCL11A):c.316_317del (p.Thr106fs)

Gene: BCL11A (BCL11 transcription factor A; minus strand). Cytogenetic location: 2p16.1.
Variant type: Deletion.
Coding change: c.316_317del on transcript NM_022893.4 (MANE Select); coding-DNA positions 316 to 317, 2 bases deleted (AC; older notation c.316_317delAC).
Protein change: p.Thr106fs; shifts the reading frame from threonine 106.
Molecular consequence: frameshift variant. On other transcripts: 5 prime UTR variant (7).
Genome position (GRCh38, 1-based): chr2:60,546,039-60,546,040, GT deleted on the plus strand (AC on the coding strand, the reverse complement: BCL11A is on the minus strand); deleting any 2 consecutive bases within chr2:60,546,039-60,546,041 gives the same sequence; the c. name uses the placement nearest the transcript's 3' end. VCF-style (leftmost placement, unchanged base first): chr2-60546038-CGT-C. GRCh37 (hg19) VCF-style: chr2-60773173-CGT-C.
Other names: c.316_317del, p.Thr106fs (NM_001405708.1, NM_001405709.1, NM_001405710.1 and 10 more transcripts); c.160_161del, p.Thr54fs (NM_001405713.1, NM_001405714.1, NM_001405715.1 and 10 more transcripts); c.-110_-109del (NM_001405720.1, NM_001405721.1); c.-360_-359del (NM_001405725.1, NM_001405726.1, NM_001405731.1); c.-217_-216del (NM_001405727.1, NM_001405728.1); short protein forms T106fs, T54fs.
Identifiers: ClinVar variation 3775299 (VCV003775299.1).